The following is an entry in ClinVar:

ClinVar aggregate classification (germline): Uncertain significance (1 of 4 stars; one submission).

Submission:

Labcorp Genetics (formerly Invitae), Labcorp
Classification: Uncertain significance. Last evaluated: 2023-03-18. Review status: criteria provided, single submitter. Criteria: Invitae Variant Classification Sherloc (09022015). Collection method: clinical testing. Allele origin: germline.
Comment: Algorithms developed to predict the effect of sequence changes on RNA splicing suggest that this variant may disrupt the consensus splice site. In summary, the available evidence is currently insufficient to determine the role of this variant in disease. Therefore, it has been classified as a Variant of Uncertain Significance. This variant has not been reported in the literature in individuals affected with ACAN-related conditions. This variant is not present in population databases (gnomAD no frequency). This sequence change affects codon 157 of the ACAN mRNA. It is a 'silent' change, meaning that it does not change the encoded amino acid sequence of the ACAN protein.

NM_001369268.1(ACAN):c.471C>T (p.Tyr157=)

Gene: ACAN (aggrecan; plus strand). Cytogenetic location: 15q26.1.
Variant type: single nucleotide variant.
Coding change: c.471C>T on transcript NM_001369268.1 (MANE Select); coding-DNA position 471, C replaced by T.
Protein change: p.Tyr157=; no amino-acid change (tyrosine 157 retained).
Molecular consequence: synonymous variant.
Genome position (GRCh38, 1-based): chr15:88,840,028, C>T. VCF-style: chr15-88840028-C-T. GRCh37 (hg19) VCF-style: chr15-89383259-C-T.
Other names: c.471C>T, p.Tyr157= (NM_001135.4, NM_001411096.1, NM_001411097.1 and 1 more transcripts).
Identifiers: ClinVar variation 2972440 (VCV002972440.3), dbSNP rs2505229914, ClinGen allele CA492057719.
Genomic context (GRCh38, chr15:88,840,028, plus strand): 5'-GCCTGACCAGCTCTTCCGCTTGTGGGCGTGTATGTGTCTTGCAGGCATCGTGTTCCATTA[C>T]AGAGCCATCTCTACACGCTACACCCTCGACTTTGACAGGGCGCAGCGGGCCTGCCTGCAG-3'
Protein context (NP_001356197.1, residues 147-167): EVVVKGIVFH[Tyr157=]RAISTRYTLD